The following is an entry in ClinVar:

NM_001099287.2(NIPAL4):c.967G>A (p.Val323Met)

Gene: NIPAL4 (NIPA like domain containing 4; plus strand). Cytogenetic location: 5q33.3.
Variant type: single nucleotide variant.
Coding change: c.967G>A on transcript NM_001099287.2 (MANE Select); coding-DNA position 967, G replaced by A.
Protein change: p.Val323Met; replaces valine 323 with methionine.
Molecular consequence: missense variant.
Genome position (GRCh38, 1-based): chr5:157,472,712, G>A. VCF-style: chr5-157472712-G-A. GRCh37 (hg19) VCF-style: chr5-156899720-G-A.
Other names: c.910G>A, p.Val304Met (NM_001172292.2); short protein forms V304M, V323M.
Identifiers: ClinVar variation 2655998 (VCV002655998.25), dbSNP rs563737484, ClinGen allele CA3534757.

ClinVar aggregate classification (germline): Benign. Review status: criteria provided, multiple submitters, no conflicts (2 of 4 stars). 2 submissions from 2 submitters: Benign (2). Last evaluated 2026-01-28.

Allele frequency attached by ClinVar (database versions not stated): TOPMed 0.00009; gnomAD 0.00050; gnomAD exomes 0.00092; ExAC 0.00206; 1000 Genomes Project 30x 0.00219; 1000 Genomes Project 0.00280.
gnomAD v4.1: 1,412 of 1,614,000 alleles (0.087%); highest among the groups gnomAD compares: South Asian, 1.5%; 21 homozygotes.

Submissions (2):

Labcorp Genetics (formerly Invitae), Labcorp
Classification: Benign. Last evaluated: 2026-01-28. Review status: criteria provided, single submitter. Criteria: Invitae Variant Classification Sherloc (09022015). Collection method: clinical testing. Allele origin: germline.

CeGaT Center for Human Genetics Tuebingen
Classification: Benign. Last evaluated: 2023-03-01. Review status: criteria provided, single submitter. Criteria: CeGaT Center For Human Genetics Tuebingen Variant Classification Criteria Version 2. Collection method: clinical testing. Allele origin: germline. Affected: yes. Observed: 1 variant allele.
Comment: NIPAL4: BS1, BS2